The following is an entry in ClinVar:

NM_004429.5(EFNB1):c.175A>G (p.Lys59Glu)

Gene: EFNB1 (ephrin B1; plus strand). Cytogenetic location: Xq13.1.
Variant type: single nucleotide variant.
Coding change: c.175A>G on transcript NM_004429.5 (MANE Select); coding-DNA position 175, A replaced by G.
Protein change: p.Lys59Glu; replaces lysine 59 with glutamic acid.
Molecular consequence: missense variant.
Genome position (GRCh38, 1-based): chrX:68,838,663, A>G. VCF-style: chrX-68838663-A-G. GRCh37 (hg19) VCF-style: chrX-68058506-A-G.
Other names: short protein forms K59E.
Identifiers: ClinVar variation 3344117 (VCV003344117.2).

ClinVar aggregate classification (germline): Likely pathogenic. Review status: criteria provided, single submitter (1 of 4 stars). 2 submissions from 2 submitters: Likely pathogenic (1). 1 of the submissions does not count toward it. Last evaluated 2022-05-06.

Conditions:
EFNB1-related disorders.
EFNB1-related disorder. Also called: EFNB1-related condition.

Submissions (2):

Blueprint Genetics
Classification: Likely pathogenic for EFNB1-related disorders. Last evaluated: 2022-05-06. Review status: criteria provided, single submitter. Criteria: ACMG Guidelines, 2015. Collection method: clinical testing. Allele origin: germline. Affected: yes. Observed: 1 variant allele.

PreventionGenetics, part of Exact Sciences
Classification: Uncertain significance for EFNB1-related condition. Last evaluated: 2024-07-05. Review status: no assertion criteria provided. Collection method: clinical testing. Allele origin: germline. Not counted in ClinVar's aggregate classification.
Comment: The EFNB1 c.175A>G variant is predicted to result in the amino acid substitution p.Lys59Glu. To our knowledge, this variant has not been reported in the literature or in a large population database, indicating this variant is rare. At this time, the clinical significance of this variant is uncertain due to the absence of conclusive functional and genetic evidence.